The following is an entry in ClinVar:

ClinVar aggregate classification (germline): Pathogenic/Likely pathogenic. Review status: criteria provided, multiple submitters, no conflicts (2 of 4 stars). 2 submissions from 2 submitters: Pathogenic (1); Likely pathogenic (1). Last evaluated 2026-08-10.

Conditions:
Neurodevelopmental disorder with regression, abnormal movements, loss of speech, and seizures. Identifiers: Orphanet 597623, MedGen C4748127, MONDO:0060759, OMIM 618088.

Submissions (2):

Institute of Human Genetics, University of Leipzig Medical Center
Classification: Pathogenic for Neurodevelopmental disorder with regression, abnormal movements, loss of speech, and seizures. Last evaluated: 2026-08-10. Review status: criteria provided, single submitter. Criteria: ACMG Guidelines, 2015. Collection method: clinical testing. Allele origin: unknown. Inheritance: Autosomal dominant inheritance. Affected: yes.
Comment: Criteria applied: PVS1,PS2,PS4_MOD,PM2

Genomic Medicine Center of Excellence, King Faisal Specialist Hospital and Research Centre
Classification: Likely pathogenic for Neurodevelopmental disorder with regression, abnormal movements, loss of speech, and seizures. Last evaluated: 2024-03-26. Review status: criteria provided, single submitter. Criteria: ACMG Guidelines, 2015. Collection method: clinical testing. Allele origin: germline.

NM_024496.4(IRF2BPL):c.361C>T (p.Gln121Ter)

Gene: IRF2BPL (interferon regulatory factor 2 binding protein like; minus strand). Cytogenetic location: 14q24.3.
Variant type: single nucleotide variant.
Coding change: c.361C>T on transcript NM_024496.4 (MANE Select); coding-DNA position 361, C replaced by T.
Protein change: p.Gln121Ter; replaces glutamine 121 with a stop codon.
Molecular consequence: nonsense.
Genome position (GRCh38, 1-based): chr14:77,027,432, G>A on the plus strand (C>T on the coding strand, the complement: IRF2BPL is on the minus strand). VCF-style: chr14-77027432-G-A. GRCh37 (hg19) VCF-style: chr14-77493775-G-A.
Other names: short protein forms Q121*.
Identifiers: ClinVar variation 3065523 (VCV003065523.2), dbSNP rs1391425287, ClinGen allele CA390499653.